The following is an entry in ClinVar:

ClinVar aggregate classification (germline): Uncertain significance (1 of 4 stars; one submission).

Submission:

GeneDx
Classification: Uncertain significance. Last evaluated: 2025-01-14. Review status: criteria provided, single submitter. Criteria: GeneDx Variant Classification Process June 2021. Collection method: clinical testing. Allele origin: germline.
Comment: Not observed at significant frequency in large population cohorts (gnomAD); In silico analysis supports that this missense variant has a deleterious effect on protein structure/function; Has not been previously published as pathogenic or benign to our knowledge.

NM_000193.4(SHH):c.538C>T (p.His180Tyr)

Gene: SHH (sonic hedgehog signaling molecule; minus strand). Cytogenetic location: 7q36.3.
Variant type: single nucleotide variant.
Coding change: c.538C>T on transcript NM_000193.4 (MANE Select); coding-DNA position 538, C replaced by T.
Protein change: p.His180Tyr; replaces histidine 180 with tyrosine.
Molecular consequence: missense variant. On other transcripts: non-coding transcript variant (2).
Genome position (GRCh38, 1-based): chr7:155,806,320, G>A on the plus strand (C>T on the coding strand, the complement: SHH is on the minus strand). VCF-style: chr7-155806320-G-A. GRCh37 (hg19) VCF-style: chr7-155599014-G-A.
Other names: c.277C>T, p.His93Tyr (NM_001310462.2); short protein forms H180Y, H93Y.
Identifiers: ClinVar variation 2504707 (VCV002504707.2), dbSNP rs2535900862, ClinGen allele CA370147985.